The following is an entry in ClinVar:

ClinVar aggregate classification (germline): Uncertain significance (1 of 4 stars; one submission).

Allele frequency attached by ClinVar (database versions not stated): gnomAD 0.00001; TOPMed 0.00003; ESP Exome Variant Server 0.00008.

Submission:

Labcorp Genetics (formerly Invitae), Labcorp
Classification: Uncertain significance. Last evaluated: 2023-05-13. Review status: criteria provided, single submitter. Criteria: Invitae Variant Classification Sherloc (09022015). Collection method: clinical testing. Allele origin: germline.
Comment: In summary, the available evidence is currently insufficient to determine the role of this variant in disease. Therefore, it has been classified as a Variant of Uncertain Significance. An algorithm developed to predict the effect of missense changes on protein structure and function (PolyPhen-2) suggests that this variant is likely to be disruptive. This variant has not been reported in the literature in individuals affected with SALL2-related conditions. This variant is present in population databases (rs146564330, gnomAD 0.01%). This sequence change replaces lysine, which is basic and polar, with asparagine, which is neutral and polar, at codon 426 of the SALL2 protein (p.Lys426Asn).

NM_001364564.1(SALL2):c.1272G>C (p.Lys424Asn)

Gene: SALL2 (spalt like transcription factor 2; minus strand). Cytogenetic location: 14q11.2.
Variant type: single nucleotide variant.
Coding change: c.1272G>C on transcript NM_001364564.1 (MANE Select); coding-DNA position 1272, G replaced by C.
Protein change: p.Lys424Asn; replaces lysine 424 with asparagine.
Molecular consequence: missense variant.
Genome position (GRCh38, 1-based): chr14:21,524,450, C>G on the plus strand (G>C on the coding strand, the complement: SALL2 is on the minus strand). VCF-style: chr14-21524450-C-G. GRCh37 (hg19) VCF-style: chr14-21992584-C-G.
Other names: c.873G>C, p.Lys291Asn (NM_001291446.2); c.867G>C, p.Lys289Asn (NM_001291447.2); c.1278G>C, p.Lys426Asn (NM_005407.3); short protein forms K424N, K289N, K426N, K291N.
Identifiers: ClinVar variation 3017261 (VCV003017261.3), dbSNP rs146564330, ClinGen allele CA257585166.